The following is an entry in ClinVar:

ClinVar aggregate classification (germline): Pathogenic/Likely pathogenic. Review status: criteria provided, multiple submitters, no conflicts (2 of 4 stars). 2 submissions from 2 submitters: Pathogenic (1); Likely pathogenic (1). Last evaluated 2022-02-25.

Conditions:
Autosomal recessive osteopetrosis 1. Also called: ALBERS-SCHONBERG DISEASE, AUTOSOMAL RECESSIVE; TCIRG1-Related Osteopetrosis; TCIRG1-Related Autosomal Recessive Osteopetrosis. Identifiers: Orphanet 667, MedGen C1850127, MONDO:0009815, OMIM 259700.

Submissions (2):

Myriad Genetics, Inc.
Classification: Likely pathogenic for Autosomal recessive osteopetrosis 1. Last evaluated: 2022-02-25. Review status: criteria provided, single submitter. Criteria: Myriad Women's Health Autosomal Recessive and X-Linked Classification Criteria (2021). Collection method: clinical testing. Allele origin: unknown.
Comment: NM_006019.3(TCIRG1):c.1978delC(R660Afs*27) is expected to be pathogenic in the context of autosomal recessive osteopetrosis type 1. This variant is predicted to lead to an abnormal or absent protein product due to the creation of a premature termination codon in TCIRG1, a gene where loss-of-function variants are known to be pathogenic. Please note: this variant was assessed in the context of healthy population screening.

Labcorp Genetics (formerly Invitae), Labcorp
Classification: Pathogenic. Last evaluated: 2021-09-14. Review status: criteria provided, single submitter. Criteria: Invitae Variant Classification Sherloc (09022015). Collection method: clinical testing. Allele origin: germline.
Comment: For these reasons, this variant has been classified as Pathogenic. This sequence change creates a premature translational stop signal (p.Arg660Alafs*27) in the TCIRG1 gene. It is expected to result in an absent or disrupted protein product. Loss-of-function variants in TCIRG1 are known to be pathogenic (PMID: 10888887, 10942435, 11532986, 19448635). This variant is not present in population databases (ExAC no frequency). This variant has not been reported in the literature in individuals affected with TCIRG1-related conditions.

Literature cited by the submitters: PubMed 10888887 (cited by Labcorp Genetics (formerly Invitae), Labcorp); PubMed 10942435 (cited by Labcorp Genetics (formerly Invitae), Labcorp); PubMed 11532986 (cited by Labcorp Genetics (formerly Invitae), Labcorp); PubMed 19448635 (cited by Labcorp Genetics (formerly Invitae), Labcorp).

NM_006019.4(TCIRG1):c.1978del (p.Arg660fs)

Gene: TCIRG1 (T cell immune regulator 1, ATPase H+ transporting V0 subunit a3; plus strand). Cytogenetic location: 11q13.2.
Variant type: Deletion.
Coding change: c.1978del on transcript NM_006019.4 (MANE Select); coding-DNA position 1978, one base deleted (C; older notation c.1978delC).
Protein change: p.Arg660fs; shifts the reading frame from arginine 660.
Molecular consequence: frameshift variant.
Genome position (GRCh38, 1-based): chr11:68,049,753, C deleted; the last of 2 consecutive C bases (chr11:68,049,752-68,049,753); deleting either gives the same sequence. VCF-style (leftmost placement, unchanged base first): chr11-68049751-AC-A. GRCh37 (hg19) VCF-style: chr11-67817218-AC-A.
Other names: c.1084del, p.Arg362fs (NM_001351059.2); c.1330del, p.Arg444fs (NM_006053.4); short protein forms R362fs, R444fs, R660fs.
Identifiers: ClinVar variation 1451764 (VCV001451764.8), dbSNP rs2134462969, ClinGen allele CA2573147509.
Genomic context (GRCh38, chr11:68,049,751, plus strand): 5'-TGGCCTTGGCCATGGTGCCCATCCTGCTGCTTGGCACACCCCTGCACCTGCTGCACCGCC[AC>A]CGCCGCCGCCTGCGGAGGAGGCCCGCTGACCGACAGGTGGGACCGGGGCCTAAGGTGTGG-3'